The following is an entry in ClinVar:

NM_020964.3(EPG5):c.6095T>G (p.Met2032Arg)

Gene: EPG5 (ectopic P-granules 5 autophagy tethering factor; minus strand). Cytogenetic location: 18q12.3.
Variant type: single nucleotide variant.
Coding change: c.6095T>G on transcript NM_020964.3 (MANE Select); coding-DNA position 6095, T replaced by G.
Protein change: p.Met2032Arg; replaces methionine 2032 with arginine.
Molecular consequence: missense variant.
Genome position (GRCh38, 1-based): chr18:45,870,697, A>C on the plus strand (T>G on the coding strand, the complement: EPG5 is on the minus strand). VCF-style: chr18-45870697-A-C. GRCh37 (hg19) VCF-style: chr18-43450662-A-C.
Other names: short protein forms M2032R.
Identifiers: ClinVar variation 1473194 (VCV001473194.7), dbSNP rs971428390, ClinGen allele CA299702107.

ClinVar aggregate classification (germline): Uncertain significance (1 of 4 stars; one submission).

Conditions:
Vici syndrome (VICIS). Identifiers: Orphanet 1493, MedGen C1855772, MONDO:0009452, OMIM 242840.

gnomAD v4.1: 1 of 1,612,972 alleles (0.000062%); highest among the groups gnomAD compares: African/African-American, 0.0013%; no homozygotes.

Submission:

Labcorp Genetics (formerly Invitae), Labcorp
Classification: Uncertain significance for Vici syndrome. Last evaluated: 2022-07-05. Review status: criteria provided, single submitter. Criteria: Invitae Variant Classification Sherloc (09022015). Collection method: clinical testing. Allele origin: germline.
Comment: This variant has not been reported in the literature in individuals affected with EPG5-related conditions. In summary, the available evidence is currently insufficient to determine the role of this variant in disease. Therefore, it has been classified as a Variant of Uncertain Significance. Algorithms developed to predict the effect of missense changes on protein structure and function are either unavailable or do not agree on the potential impact of this missense change (SIFT: "Deleterious"; PolyPhen-2: "Benign"; Align-GVGD: "Class C0"). ClinVar contains an entry for this variant (Variation ID: 1473194). This variant is not present in population databases (gnomAD no frequency). This sequence change replaces methionine, which is neutral and non-polar, with arginine, which is basic and polar, at codon 2032 of the EPG5 protein (p.Met2032Arg).